The following is an entry in ClinVar:

NM_144643.4(SCLT1):c.673C>T (p.Arg225Ter)

Gene: SCLT1 (sodium channel and clathrin linker 1; minus strand). Cytogenetic location: 4q28.2.
Variant type: single nucleotide variant.
Coding change: c.673C>T on transcript NM_144643.4 (MANE Select); coding-DNA position 673, C replaced by T.
Protein change: p.Arg225Ter; replaces arginine 225 with a stop codon.
Molecular consequence: nonsense.
Genome position (GRCh38, 1-based): chr4:128,992,180, G>A on the plus strand (C>T on the coding strand, the complement: SCLT1 is on the minus strand). VCF-style: chr4-128992180-G-A. GRCh37 (hg19) VCF-style: chr4-129913335-G-A.
Other names: c.673C>T, p.Arg225Ter (NM_001410807.1); short protein forms R225*.
Identifiers: ClinVar variation 2907908 (VCV002907908.4), dbSNP rs202057318, ClinGen allele CA3079853.

ClinVar aggregate classification (germline): Pathogenic/Likely pathogenic. Review status: criteria provided, multiple submitters, no conflicts (2 of 4 stars). 2 submissions from 2 submitters: Pathogenic (1); Likely pathogenic (1). Last evaluated 2025-10-27.

Conditions:
SCLT1-related disorder. Also called: SCLT1-related condition.

Allele frequency attached by ClinVar (database versions not stated): gnomAD 0.00001; TOPMed 0.00002; ExAC 0.00003; ESP Exome Variant Server 0.00008.
gnomAD v4.1: 25 of 1,587,000 alleles (0.0016%); highest among the groups gnomAD compares: African/African-American, 0.0027%; no homozygotes.

Submissions (2):

Labcorp Genetics (formerly Invitae), Labcorp
Classification: Pathogenic. Last evaluated: 2025-10-27. Review status: criteria provided, single submitter. Criteria: Invitae Variant Classification Sherloc (09022015). Collection method: clinical testing. Allele origin: germline.
Comment: This sequence change creates a premature translational stop signal (p.Arg225*) in the SCLT1 gene. It is expected to result in an absent or disrupted protein product. Loss-of-function variants in SCLT1 are known to be pathogenic (PMID: 28005958). This variant is present in population databases (rs202057318, gnomAD 0.007%). This variant has not been reported in the literature in individuals affected with SCLT1-related conditions. ClinVar contains an entry for this variant (Variation ID: 2907908). Algorithms developed to predict the effect of sequence changes on RNA splicing suggest that this variant may disrupt the consensus splice site. For these reasons, this variant has been classified as Pathogenic.

Blueprint Genetics
Classification: Likely pathogenic for SCLT1-related disorders. Last evaluated: 2024-01-18. Review status: criteria provided, single submitter. Criteria: ACMG Guidelines, 2015. Collection method: clinical testing. Allele origin: germline. Affected: yes. Observed: 2 variant alleles.

Literature cited by the submitters: PubMed 28005958 (cited by Labcorp Genetics (formerly Invitae), Labcorp).